The following is an entry in ClinVar:

ClinVar aggregate classification (germline): Uncertain significance. Review status: criteria provided, multiple submitters, no conflicts (2 of 4 stars). 3 submissions from 3 submitters: Uncertain significance (3). Last evaluated 2024-03-09.

Conditions:
Hereditary cancer-predisposing syndrome. Also called: Hereditary neoplastic syndrome; Neoplastic Syndromes, Hereditary; Tumor predisposition; Hereditary Cancer Syndrome. Identifiers: Orphanet 140162, MedGen C0027672, MeSH D009386, MONDO:0015356.
Ataxia-telangiectasia syndrome (AT). Also called: Ataxia telangiectasia (A-T); LOUIS-BAR SYNDROME; Cerebello-oculocutaneous telangiectasia; Immunodeficiency with ataxia telangiectasia; Ataxia-telangiectasia, complementation group D; AT, COMPLEMENTATION GROUP C. Identifiers: Orphanet 100, MedGen C0004135, MONDO:0008840, OMIM 208900.

Allele frequency attached by ClinVar (database versions not stated): gnomAD 0.00001.
gnomAD v4.1: 1 of 1,613,748 alleles (0.000062%); highest among the groups gnomAD compares: African/African-American, 0.0013%; no homozygotes.

Submissions (3):

Ambry Genetics
Classification: Uncertain significance for Hereditary cancer-predisposing syndrome. Last evaluated: 2024-03-09. Review status: criteria provided, single submitter. Criteria: Ambry Variant Classification Scheme 2023. Collection method: clinical testing. Allele origin: germline.
Comment: The p.H2552R variant (also known as c.7655A>G), located in coding exon 51 of the ATM gene, results from an A to G substitution at nucleotide position 7655. The histidine at codon 2552 is replaced by arginine, an amino acid with highly similar properties. This amino acid position is highly conserved in available vertebrate species. In addition, this alteration is predicted to be deleterious by in silico analysis. Since supporting evidence is limited at this time, the clinical significance of this alteration remains unclear.

3billion
Classification: Uncertain significance for Ataxia-telangiectasia syndrome. Last evaluated: 2023-08-21. Review status: criteria provided, single submitter. Criteria: ACMG Guidelines, 2015. Collection method: clinical testing. Allele origin: germline. Affected: yes.
Comment: The variant is not observed in the gnomAD v2.1.1 dataset. Predicted Consequence/Location: Missense variant In silico tool predictions suggest damaging effect of the variant on gene or gene product [REVEL: 0.91 (>=0.6, sensitivity 0.68 and specificity 0.92); 3Cnet: 0.99 (>=0.6, sensitivity 0.72 and precision 0.9)]. Therefore, this variant is classified as VUS according to the recommendation of ACMG/AMP guideline.

Labcorp Genetics (formerly Invitae), Labcorp
Classification: Uncertain significance for Ataxia-telangiectasia syndrome. Last evaluated: 2023-08-03. Review status: criteria provided, single submitter. Criteria: Invitae Variant Classification Sherloc (09022015). Collection method: clinical testing. Allele origin: germline.
Comment: In summary, the available evidence is currently insufficient to determine the role of this variant in disease. Therefore, it has been classified as a Variant of Uncertain Significance. An algorithm developed to predict the effect of missense changes on protein structure and function (PolyPhen-2) suggests that this variant is likely to be disruptive. ClinVar contains an entry for this variant (Variation ID: 1759993). This variant has not been reported in the literature in individuals affected with ATM-related conditions. This variant is not present in population databases (gnomAD no frequency). This sequence change replaces histidine, which is basic and polar, with arginine, which is basic and polar, at codon 2552 of the ATM protein (p.His2552Arg).

NM_000051.4(ATM):c.7655A>G (p.His2552Arg)

Genes: ATM (ATM serine/threonine kinase; plus strand), C11orf65 (chromosome 11 open reading frame 65; minus strand). Cytogenetic location: 11q22.3.
Variant type: single nucleotide variant.
Coding change: c.7655A>G on transcript NM_000051.4 (MANE Select); coding-DNA position 7655, A replaced by G.
Protein change: p.His2552Arg; replaces histidine 2552 with arginine.
Molecular consequence: missense variant. On other transcripts: intron variant (2).
Genome position (GRCh38, 1-based): chr11:108,331,904, A>G. VCF-style: chr11-108331904-A-G. GRCh37 (hg19) VCF-style: chr11-108202631-A-G.
Other names: c.7655A>G, p.His2552Arg (NM_001351834.2); c.641-22833T>C (NM_001330368.2); c.*38+3316T>C (NM_001351110.2); short protein forms H2552R.
Identifiers: ClinVar variation 1759993 (VCV001759993.6), dbSNP rs2086288728, ClinGen allele CA382560940.
Genomic context (GRCh38, chr11:108,331,904, plus strand): 5'-TTATTTGCATAAATCTAATAGTTCTTTTCTTACAGCTAATCTCTAGAATTTCAATGGATC[A>G]CCCCCATCACACTTTGTTTATTATACTGGCCTTAGCAAATGCAAACAGAGATGAATTTCT-3'
Protein context (NP_000042.3, residues 2542-2562): NNLISRISMD[His2552Arg]PHHTLFIILA